The following is an entry in ClinVar:

ClinVar aggregate classification (germline): Uncertain significance (1 of 4 stars; one submission).

Conditions:
Intellectual developmental disorder with seizures and language delay (IDDSELD). Identifiers: MedGen C5436574, MONDO:0033559, OMIM 619000.

Allele frequency attached by ClinVar (database versions not stated): TOPMed 0.00001.
gnomAD v4.1: 1 of 1,507,954 alleles (0.000066%); highest among the groups gnomAD compares: African/African-American, 0.0014%; no homozygotes.

Submission:

MGZ Medical Genetics Center
Classification: Uncertain significance for Intellectual developmental disorder with seizures and language delay. Last evaluated: 2022-05-04. Review status: criteria provided, single submitter. Criteria: ACMG Guidelines, 2015. Collection method: clinical testing. Allele origin: germline. Affected: yes. Observed: 1 variant allele.
Comment: ACMG criteria applied: PM2_SUP, PP2, PP3

NM_001353345.2(SETD1B):c.1878G>C (p.Glu626Asp)

Gene: SETD1B (SET domain containing 1B, histone lysine methyltransferase; plus strand). Cytogenetic location: 12q24.31.
Variant type: single nucleotide variant.
Coding change: c.1878G>C on transcript NM_001353345.2 (MANE Select); coding-DNA position 1878, G replaced by C.
Protein change: p.Glu626Asp; replaces glutamic acid 626 with aspartic acid.
Molecular consequence: missense variant.
Genome position (GRCh38, 1-based): chr12:121,810,823, G>C. VCF-style: chr12-121810823-G-C. GRCh37 (hg19) VCF-style: chr12-122248729-G-C.
Other names: short protein forms E626D.
Identifiers: ClinVar variation 1709352 (VCV001709352.2), dbSNP rs1875998774, ClinGen allele CA386993038.